The following is an entry in ClinVar:

ClinVar aggregate classification (germline): Conflicting classifications of pathogenicity. Review status: criteria provided, conflicting classifications (1 of 4 stars). 4 submissions from 4 submitters: Uncertain significance (3); Likely benign (1). Last evaluated 2026-01-05.

gnomAD v4.1: 19 of 1,613,950 alleles (0.0012%); highest among the groups gnomAD compares: Admixed American, 0.0033%; no homozygotes.

Submissions (4):

Labcorp Genetics (formerly Invitae), Labcorp
Classification: Uncertain significance. Last evaluated: 2026-01-05. Review status: criteria provided, single submitter. Criteria: Invitae Variant Classification Sherloc (09022015). Collection method: clinical testing. Allele origin: germline.
Comment: This sequence change replaces isoleucine, which is neutral and non-polar, with threonine, which is neutral and polar, at codon 45 of the IL21 protein (p.Ile45Thr). This variant is present in population databases (rs766704559, gnomAD 0.003%). This variant has not been reported in the literature in individuals affected with IL21-related conditions. ClinVar contains an entry for this variant (Variation ID: 3285829). An algorithm developed to predict the effect of missense changes on protein structure and function outputs the following: PolyPhen-2: "Benign". The threonine amino acid residue is found in multiple mammalian species, which suggests that this missense change does not adversely affect protein function. In summary, the available evidence is currently insufficient to determine the role of this variant in disease. Therefore, it has been classified as a Variant of Uncertain Significance.

Mayo Clinic Laboratories, Mayo Clinic
Classification: Uncertain significance. Last evaluated: 2025-07-29. Review status: criteria provided, single submitter. Criteria: ACMG Guidelines, 2015. Collection method: clinical testing. Allele origin: germline. Observed: 1 variant allele.
Comment: BP4_moderate

Blueprint Genetics
Classification: Likely benign. Last evaluated: 2024-11-25. Review status: criteria provided, single submitter. Criteria: ACMG Guidelines, 2015. Collection method: clinical testing. Allele origin: germline.

Ambry Genetics
Classification: Uncertain significance. Last evaluated: 2024-04-26. Review status: criteria provided, single submitter. Criteria: Ambry Variant Classification Scheme 2023. Collection method: clinical testing. Allele origin: germline.

NM_021803.4(IL21):c.134T>C (p.Ile45Thr)

Genes: IL21 (interleukin 21; minus strand), IL21-AS1 (IL21 antisense RNA 1; plus strand), LOC126807147 (CDK7 strongly-dependent group 2 enhancer GRCh37_chr4:123541308-123542507; plus strand). Cytogenetic location: 4q27.
Variant type: single nucleotide variant.
Coding change: c.134T>C on transcript NM_021803.4 (MANE Select); coding-DNA position 134, T replaced by C.
Protein change: p.Ile45Thr; replaces isoleucine 45 with threonine.
Molecular consequence: missense variant. On other transcripts: non-coding transcript variant (1).
Genome position (GRCh38, 1-based): chr4:122,620,878, A>G on the plus strand (T>C on the coding strand, the complement: IL21 is on the minus strand). VCF-style: chr4-122620878-A-G. GRCh37 (hg19) VCF-style: chr4-123542033-A-G.
Other names: p.Ile45Thr; c.134T>C, p.Ile45Thr (NM_001207006.3); short protein forms I45T.
Identifiers: ClinVar variation 3285829 (VCV003285829.5).